The following is an entry in ClinVar:

ClinVar aggregate classification (germline): Uncertain significance (1 of 4 stars; one submission).

Conditions:
Hypertrophic cardiomyopathy. Also called: HYPERTROPHIC MYOCARDIOPATHY. Identifiers: Orphanet 217569, MedGen C0007194, MeSH D002312, MONDO:0005045, HP:0001639.

Allele frequency attached by ClinVar (database versions not stated): ExAC 0.00001; gnomAD exomes 0.00001 and 0.00002; gnomAD 0.00003 and 0.00004; TOPMed 0.00001.
gnomAD v4.1: 25 of 1,613,720 alleles (0.0015%); highest among the groups gnomAD compares: Admixed American, 0.0067%; no homozygotes.

Submission:

Labcorp Genetics (formerly Invitae), Labcorp
Classification: Uncertain significance for Hypertrophic cardiomyopathy. Last evaluated: 2022-08-15. Review status: criteria provided, single submitter. Criteria: Invitae Variant Classification Sherloc (09022015). Collection method: clinical testing. Allele origin: germline.
Comment: This sequence change replaces glutamic acid, which is acidic and polar, with lysine, which is basic and polar, at codon 1159 of the MYOM1 protein (p.Glu1159Lys). This variant is present in population databases (rs764808541, gnomAD 0.009%). In summary, the available evidence is currently insufficient to determine the role of this variant in disease. Therefore, it has been classified as a Variant of Uncertain Significance. Algorithms developed to predict the effect of missense changes on protein structure and function are either unavailable or do not agree on the potential impact of this missense change (SIFT: "Tolerated"; PolyPhen-2: "Probably Damaging"; Align-GVGD: "Class C0"). ClinVar contains an entry for this variant (Variation ID: 525003). This variant has not been reported in the literature in individuals affected with MYOM1-related conditions.

NM_003803.4(MYOM1):c.3475G>A (p.Glu1159Lys)

Gene: MYOM1 (myomesin 1; minus strand). Cytogenetic location: 18p11.31.
Variant type: single nucleotide variant.
Coding change: c.3475G>A on transcript NM_003803.4 (MANE Select); coding-DNA position 3475, G replaced by A.
Protein change: p.Glu1159Lys; replaces glutamic acid 1159 with lysine.
Molecular consequence: missense variant.
Genome position (GRCh38, 1-based): chr18:3,102,574, C>T on the plus strand (G>A on the coding strand, the complement: MYOM1 is on the minus strand). VCF-style: chr18-3102574-C-T. GRCh37 (hg19) VCF-style: chr18-3102572-C-T.
Other names: c.3187G>A, p.Glu1063Lys (NM_019856.2); short protein forms E1159K, E1063K.
Identifiers: ClinVar variation 525003 (VCV000525003.8), dbSNP rs764808541, ClinGen allele CA8874276.